The following is an entry in ClinVar:

NM_001017995.3(SH3PXD2B):c.846del (p.Leu283fs)

Gene: SH3PXD2B (SH3 and PX domains 2B; minus strand). Cytogenetic location: 5q35.1.
Variant type: Deletion.
Coding change: c.846del on transcript NM_001017995.3 (MANE Select); coding-DNA position 846, one base deleted (C; older notation c.846delC).
Protein change: p.Leu283fs; shifts the reading frame from leucine 283.
Molecular consequence: frameshift variant.
Genome position (GRCh38, 1-based): chr5:172,350,529, G deleted on the plus strand (C on the coding strand, the reverse complement: SH3PXD2B is on the minus strand); the first of 3 consecutive G bases (chr5:172,350,529-172,350,531); deleting any one gives the same sequence. VCF-style (leftmost placement, unchanged base first): chr5-172350528-AG-A. GRCh37 (hg19) VCF-style: chr5-171777532-AG-A.
Other names: c.846delC (NM_001017995.2); c.846del, p.Leu283fs (NM_001308175.2); short protein forms L283fs.
Identifiers: ClinVar variation 280919 (VCV000280919.3), dbSNP rs886042037, ClinGen allele CA10602978.

ClinVar aggregate classification (germline): Pathogenic (1 of 4 stars; one submission).

Submission:

GeneDx
Classification: Pathogenic. Last evaluated: 2021-01-15. Review status: criteria provided, single submitter. Criteria: GeneDx Variant Classification Process June 2021. Collection method: clinical testing. Allele origin: germline. Affected: yes.
Comment: Frameshift variant predicted to result in protein truncation or nonsense mediated decay in a gene for which loss-of-function is a known mechanism of disease; Not observed in large population cohorts (Lek et al., 2016); Has not been previously published as pathogenic or benign to our knowledge